The following is an entry in ClinVar:

ClinVar aggregate classification (germline): Uncertain significance (1 of 4 stars; one submission).

Conditions:
Deficiency of aromatic-L-amino-acid decarboxylase. Also called: AADC DEFICIENCY; DDC DEFICIENCY; DOPA DECARBOXYLASE DEFICIENCY; Aromatic amino acid decarboxylase deficiency; Aromatic L-Amino Acid Decarboxylase Deficiency. Identifiers: Orphanet 35708, MedGen C1291564, MONDO:0012084, OMIM 608643.

Allele frequency attached by ClinVar (database versions not stated): TOPMed below 0.00001; gnomAD exomes 0.00001.
gnomAD v4.1: 8 of 1,610,884 alleles (0.0005%); highest among the groups gnomAD compares: Non-Finnish European, 0.00068%; no homozygotes.

Submission:

Labcorp Genetics (formerly Invitae), Labcorp
Classification: Uncertain significance for Deficiency of aromatic-L-amino-acid decarboxylase. Last evaluated: 2022-07-19. Review status: criteria provided, single submitter. Criteria: Invitae Variant Classification Sherloc (09022015). Collection method: clinical testing. Allele origin: germline.
Comment: This sequence change replaces aspartic acid, which is acidic and polar, with glycine, which is neutral and non-polar, at codon 295 of the DDC protein (p.Asp295Gly). This variant is not present in population databases (gnomAD no frequency). This variant has not been reported in the literature in individuals affected with DDC-related conditions. ClinVar contains an entry for this variant (Variation ID: 1419863). Algorithms developed to predict the effect of missense changes on protein structure and function (SIFT, PolyPhen-2, Align-GVGD) all suggest that this variant is likely to be disruptive. Algorithms developed to predict the effect of sequence changes on RNA splicing suggest that this variant may create or strengthen a splice site. In summary, the available evidence is currently insufficient to determine the role of this variant in disease. Therefore, it has been classified as a Variant of Uncertain Significance.

NM_001082971.2(DDC):c.884A>G (p.Asp295Gly)

Gene: DDC (dopa decarboxylase; minus strand). Cytogenetic location: 7p12.2.
Variant type: single nucleotide variant.
Coding change: c.884A>G on transcript NM_001082971.2 (MANE Select); coding-DNA position 884, A replaced by G.
Protein change: p.Asp295Gly; replaces aspartic acid 295 with glycine.
Molecular consequence: missense variant.
Genome position (GRCh38, 1-based): chr7:50,495,410, T>C on the plus strand (A>G on the coding strand, the complement: DDC is on the minus strand). VCF-style: chr7-50495410-T-C. GRCh37 (hg19) VCF-style: chr7-50563108-T-C.
Other names: c.884A>G, p.Asp295Gly (NM_000790.4, NM_001242890.2); c.770A>G, p.Asp257Gly (NM_001242886.2); c.740A>G, p.Asp247Gly (NM_001242887.2); c.650A>G, p.Asp217Gly (NM_001242888.2); c.605A>G, p.Asp202Gly (NM_001242889.2); short protein forms D217G, D202G, D247G, D257G, D295G.
Identifiers: ClinVar variation 1419863 (VCV001419863.5), dbSNP rs914115218, ClinGen allele CA158228927.